The following is an entry in ClinVar:

NM_000565.4(IL6R):c.471G>A (p.Pro157=)

Gene: IL6R (interleukin 6 receptor; plus strand). Cytogenetic location: 1q21.3.
Variant type: single nucleotide variant.
Coding change: c.471G>A on transcript NM_000565.4 (MANE Select); coding-DNA position 471, G replaced by A.
Protein change: p.Pro157=; no amino-acid change (proline 157 retained).
Molecular consequence: synonymous variant. On other transcripts: intron variant (1).
Genome position (GRCh38, 1-based): chr1:154,434,531, G>A. VCF-style: chr1-154434531-G-A. GRCh37 (hg19) VCF-style: chr1-154407007-G-A.
Other names: c.471G>A, p.Pro157= (NM_001206866.2, NM_001382769.1, NM_001382770.1 and 4 more transcripts); c.127-16G>A (NM_001382774.1); c.471G>A (NM_000565.3).
Identifiers: ClinVar variation 1615268 (VCV001615268.10), dbSNP rs368900229, ClinGen allele CA1129041.
Genomic context (GRCh38, chr1:154,434,531, plus strand): 5'-CTGTGCGAAACTGACAGGCAAGCCCTGCCCTTGTTTTGTGTCTAACAGTCAGAACAGTCC[G>A]GCCGAAGACTTCCAGGAGCCGTGCCAGTATTCCCAGGAGTCCCAGAAGTTCTCCTGCCAG-3'
Protein context (NP_000556.1, residues 147-167): VLLVRKFQNS[Pro157=]AEDFQEPCQY

ClinVar aggregate classification (germline): Likely benign. Review status: criteria provided, single submitter (1 of 4 stars). 2 submissions from 2 submitters: Likely benign (1). 1 of the submissions does not count toward it. Last evaluated 2025-09-13.

Conditions:
IL6R-related disorder. Also called: IL6R-related condition.

Allele frequency attached by ClinVar (database versions not stated): ExAC 0.00002; gnomAD exomes 0.00002; ESP Exome Variant Server 0.00008; TOPMed 0.00009; gnomAD 0.00010 and 0.00011; 1000 Genomes Project 0.00040; 1000 Genomes Project 30x 0.00047.
gnomAD v4.1: 108 of 1,613,476 alleles (0.0067%); highest among the groups gnomAD compares: African/African-American, 0.011%; no homozygotes.

Submissions (2):

Labcorp Genetics (formerly Invitae), Labcorp
Classification: Likely benign. Last evaluated: 2025-09-13. Review status: criteria provided, single submitter. Criteria: Invitae Variant Classification Sherloc (09022015). Collection method: clinical testing. Allele origin: germline.

PreventionGenetics, part of Exact Sciences
Classification: Likely benign for IL6R-related condition. Last evaluated: 2019-03-22. Review status: no assertion criteria provided. Collection method: clinical testing. Allele origin: germline. Not counted in ClinVar's aggregate classification.
Comment: This variant is classified as likely benign based on ACMG/AMP sequence variant interpretation guidelines (Richards et al. 2015 PMID: 25741868, with internal and published modifications).